The following is an entry in ClinVar:

ClinVar aggregate classification (germline): Conflicting classifications of pathogenicity. Review status: criteria provided, conflicting classifications (1 of 4 stars). 4 submissions from 4 submitters: Likely pathogenic (3); Uncertain significance (1). Last evaluated 2026-07-01.

Conditions:
Glycogen storage disease, type II (IOPD). Also called: CARDIOMEGALIA GLYCOGENICA DIFFUSA; GLYCOGENOSIS, GENERALIZED, CARDIAC FORM; GSD II; Glycogen storage disease type 2; Acid maltase deficiency disease; Aglucosidase alfa. Identifiers: Orphanet 365, MedGen C0017921, MONDO:0009290, OMIM 232300.

Submissions (4):

Genomenon, Inc
Classification: Uncertain significance for Glycogen storage disease, type II. Last evaluated: 2026-07-01. Review status: criteria provided, single submitter. Criteria: Genomenon Sequence Variant Interpretation Standards - Updated. Collection method: curation. Allele origin: germline. Affected: yes.
Comment: GAA p.Gly638Glu (c.1913G>A) is a missense variant that changes the amino acid at codon 638 from Glycine to Glutamic acid. This variant has been observed in at least one proband with a GAA-related disorder (PMID:31342611). It is absent or not present at a significant frequency in gnomAD. In silico models predict that this variant is possibly or probably damaging. In conclusion, we classify GAA p.Gly638Glu (c.1913G>A) as a variant of uncertain significance.

Women's Health and Genetics/Laboratory Corporation of America, LabCorp
Classification: Likely pathogenic for Glycogen storage disease, type II. Last evaluated: 2026-02-17. Review status: criteria provided, single submitter. Criteria: LabCorp Variant Classification Summary - May 2015. Collection method: clinical testing. Allele origin: germline.
Comment: Variant summary: GAA c.1913G>A (p.Gly638Glu) results in a non-conservative amino acid change located in the Glycoside hydrolase family 31, TIM barrel domain (IPR000322) of the encoded protein sequence. Algorithms developed to predict the effect of missense changes on protein structure and function all suggest that this variant is likely to be disruptive. The frequency data for this variant in gnomAD is considered unreliable, as metrics indicate poor data quality at this position. c.1913G>A has been observed in in at least one compound heterozygous individual affected with Glycogen Storage Disease, Type 2 (Pompe Disease) (example: Kishnani_2019). A different variant affecting the same codon has been classified as pathogenic by our lab (c.1912G>T/p.Gly638Trp and c.1913G>T/p.Gly638Val), supporting the critical relevance of codon 638 to GAA protein function. To our knowledge, no experimental evidence demonstrating an impact on protein function has been reported. The following publications have been ascertained in the context of this evaluation (PMID: 31342611, 31086307). ClinVar contains an entry for this variant (Variation ID: 3366619). Based on the evidence outlined above, the variant was classified as likely pathogenic.

Labcorp Genetics (formerly Invitae), Labcorp
Classification: Likely pathogenic for Glycogen storage disease, type II. Last evaluated: 2024-12-04. Review status: criteria provided, single submitter. Criteria: Invitae Variant Classification Sherloc (09022015). Collection method: clinical testing. Allele origin: germline.
Comment: This sequence change replaces glycine, which is neutral and non-polar, with glutamic acid, which is acidic and polar, at codon 638 of the GAA protein (p.Gly638Glu). This variant is not present in population databases (gnomAD no frequency). This missense change has been observed in individual(s) with Pompe disease (PMID: 31086307). Invitae Evidence Modeling of protein sequence and biophysical properties (such as structural, functional, and spatial information, amino acid conservation, physicochemical variation, residue mobility, and thermodynamic stability) indicates that this missense variant is expected to disrupt GAA protein function with a positive predictive value of 95%. This variant disrupts the p.Gly638 amino acid residue in GAA. Other variant(s) that disrupt this residue have been determined to be pathogenic (PMID: 10737124, 17573812, 17616415, 18429042, 19588081, 28763149, 29122469, 29181627). This suggests that this residue is clinically significant, and that variants that disrupt this residue are likely to be disease-causing. In summary, the currently available evidence indicates that the variant is pathogenic, but additional data are needed to prove that conclusively. Therefore, this variant has been classified as Likely Pathogenic.

Revvity Omics, Revvity
Classification: Likely pathogenic. Last evaluated: 2024-03-07. Review status: criteria provided, single submitter. Criteria: ACMG Guidelines, 2015. Collection method: clinical testing. Allele origin: germline.

Literature cited by the submitters: PubMed 31342611 (cited by Genomenon, Inc and Women's Health and Genetics/Laboratory Corporation of America, LabCorp); PubMed 31086307 (cited by Women's Health and Genetics/Laboratory Corporation of America, LabCorp and Labcorp Genetics (formerly Invitae), Labcorp); PubMed 10737124 (cited by Labcorp Genetics (formerly Invitae), Labcorp); PubMed 17573812 (cited by Labcorp Genetics (formerly Invitae), Labcorp); PubMed 17616415 (cited by Labcorp Genetics (formerly Invitae), Labcorp); PubMed 18429042 (cited by Labcorp Genetics (formerly Invitae), Labcorp); PubMed 19588081 (cited by Labcorp Genetics (formerly Invitae), Labcorp); PubMed 28763149 (cited by Labcorp Genetics (formerly Invitae), Labcorp); PubMed 29122469 (cited by Labcorp Genetics (formerly Invitae), Labcorp); PubMed 29181627 (cited by Labcorp Genetics (formerly Invitae), Labcorp).

NM_000152.5(GAA):c.1913G>A (p.Gly638Glu)

Gene: GAA (alpha glucosidase; plus strand). Cytogenetic location: 17q25.3.
Variant type: single nucleotide variant.
Coding change: c.1913G>A on transcript NM_000152.5 (MANE Select); coding-DNA position 1913, G replaced by A.
Protein change: p.Gly638Glu; replaces glycine 638 with glutamic acid.
Molecular consequence: missense variant.
Genome position (GRCh38, 1-based): chr17:80,112,900, G>A. VCF-style: chr17-80112900-G-A. GRCh37 (hg19) VCF-style: chr17-78086699-G-A.
Other names: c.1913G>A, p.Gly638Glu (NM_001079803.3, NM_001079804.3, NM_001406741.1 and 1 more transcripts); short protein forms G638E.
Identifiers: ClinVar variation 3366619 (VCV003366619.6).